The following is an entry in ClinVar:

NM_000153.4(GALC):c.1803A>G (p.Ala601=)

Gene: GALC (galactosylceramidase; minus strand). Cytogenetic location: 14q31.3.
Variant type: single nucleotide variant.
Coding change: c.1803A>G on transcript NM_000153.4 (MANE Select); coding-DNA position 1803, A replaced by G.
Protein change: p.Ala601=; no amino-acid change (alanine 601 retained).
Molecular consequence: synonymous variant.
Genome position (GRCh38, 1-based): chr14:87,941,426, T>C on the plus strand (A>G on the coding strand, the complement: GALC is on the minus strand). VCF-style: chr14-87941426-T-C. GRCh37 (hg19) VCF-style: chr14-88407770-T-C.
Other names: c.1734A>G, p.Ala578= (NM_001201401.2); c.1725A>G, p.Ala575= (NM_001201402.2).
Identifiers: ClinVar variation 1124724 (VCV001124724.11), dbSNP rs372465848, ClinGen allele CA7296921.

ClinVar aggregate classification (germline): Conflicting classifications of pathogenicity. Review status: criteria provided, conflicting classifications (1 of 4 stars). 3 submissions from 3 submitters: Uncertain significance (1); Likely benign (1). 1 of the submissions does not count toward it. Last evaluated 2025-10-15.

Conditions:
GALC-related disorder. Also called: GALC-related condition.
Galactosylceramide beta-galactosidase deficiency. Also called: Leukodystrophy, Globoid Cell; Krabbe Disease; GALACTOCEREBROSIDASE DEFICIENCY; GALC DEFICIENCY; GLOBOID CELL LEUKOENCEPHALOPATHY. Identifiers: Orphanet 487, MedGen C0023521, MONDO:0009499, OMIM 245200.

Allele frequency attached by ClinVar (database versions not stated): gnomAD exomes 0.00001 and 0.00003; ExAC 0.00004; TOPMed 0.00011; gnomAD 0.00007 and 0.00009; ESP Exome Variant Server 0.00017.
gnomAD v4.1: 24 of 1,609,554 alleles (0.0015%); highest among the groups gnomAD compares: African/African-American, 0.029%; no homozygotes.

Submissions (3):

Labcorp Genetics (formerly Invitae), Labcorp
Classification: Likely benign for Galactosylceramide beta-galactosidase deficiency. Last evaluated: 2025-10-15. Review status: criteria provided, single submitter. Criteria: Invitae Variant Classification Sherloc (09022015). Collection method: clinical testing. Allele origin: germline.

GeneDx
Classification: Uncertain significance. Last evaluated: 2022-02-16. Review status: criteria provided, single submitter. Criteria: GeneDx Variant Classification Process June 2021. Collection method: clinical testing. Allele origin: germline. Affected: yes.
Comment: In silico analysis supports that this variant does not alter splicing; Has not been previously published as pathogenic or benign to our knowledge

PreventionGenetics, part of Exact Sciences
Classification: Likely benign for GALC-related condition. Last evaluated: 2021-10-08. Review status: no assertion criteria provided. Collection method: clinical testing. Allele origin: germline. Not counted in ClinVar's aggregate classification.
Comment: This variant is classified as likely benign based on ACMG/AMP sequence variant interpretation guidelines (Richards et al. 2015 PMID: 25741868, with internal and published modifications).